The following is an entry in ClinVar:

NM_000302.4(PLOD1):c.1892A>G (p.Tyr631Cys)

Gene: PLOD1 (procollagen-lysine,2-oxoglutarate 5-dioxygenase 1; plus strand). Cytogenetic location: 1p36.22.
Variant type: single nucleotide variant.
Coding change: c.1892A>G on transcript NM_000302.4 (MANE Select); coding-DNA position 1892, A replaced by G.
Protein change: p.Tyr631Cys; replaces tyrosine 631 with cysteine.
Molecular consequence: missense variant.
Genome position (GRCh38, 1-based): chr1:11,970,806, A>G. VCF-style: chr1-11970806-A-G. GRCh37 (hg19) VCF-style: chr1-12030863-A-G.
Other names: c.2033A>G, p.Tyr678Cys (NM_001316320.2); short protein forms Y631C, Y678C.
Identifiers: ClinVar variation 565812 (VCV000565812.7), dbSNP rs752084194, ClinGen allele CA598596.
Genomic context (GRCh38, chr1:11,970,806, plus strand): 5'-AGTGGCACAAATTCCTGCTGGAGTACATTGCGCCCATGACGGAGAAGCTCTACCCCGGCT[A>G]CTACACCAGGGTGGGCAAGCCTGGGGCATAGCCAGGATGCGGGGACAGTTGGGTGGGGTG-3'
Protein context (NP_000293.2, residues 621-641): APMTEKLYPG[Tyr631Cys]YTRAQFDLAF

ClinVar aggregate classification (germline): Uncertain significance. Review status: criteria provided, multiple submitters, no conflicts (2 of 4 stars). 2 submissions from 2 submitters: Uncertain significance (2). Last evaluated 2026-08-08.

Conditions:
Ehlers-Danlos syndrome, kyphoscoliotic type 1 (EDSKSCL1). Also called: EHLERS-DANLOS SYNDROME, OCULAR-SCOLIOTIC TYPE; PLOD1-Related Kyphoscoliotic Ehlers-Danlos Syndrome; EHLERS-DANLOS SYNDROME, TYPE VIA; Ehlers-Danlos syndrome, hydroxylysine-deficient. Identifiers: Orphanet 1900, MedGen C0268342, MONDO:0016002, OMIM 225400. Disease mechanism: loss of function.
Familial thoracic aortic aneurysm and aortic dissection (TAAD). Also called: Thoracic aortic aneurysms and dissections. Identifiers: Orphanet 91387, MedGen C4707243, MONDO:0019625.

Allele frequency attached by ClinVar (database versions not stated): gnomAD exomes below 0.00001 and 0.00001; ExAC 0.00001; TOPMed 0.00001.
gnomAD v4.1: 11 of 1,606,510 alleles (0.00068%); highest among the groups gnomAD compares: Non-Finnish European, 0.00085%; no homozygotes.

Submissions (2):

Ambry Genetics
Classification: Uncertain significance for Familial thoracic aortic aneurysm and aortic dissection. Last evaluated: 2026-08-08. Review status: criteria provided, single submitter. Criteria: Ambry Variant Classification Scheme 2023. Collection method: clinical testing. Allele origin: germline.
Comment: The p.Y631C variant (also known as c.1892A>G), located in coding exon 17 of the PLOD1 gene, results from an A to G substitution at nucleotide position 1892. The tyrosine at codon 631 is replaced by cysteine, an amino acid with highly dissimilar properties. This amino acid position is conserved. In addition, this alteration is predicted to be deleterious by in silico analysis. Based on the available evidence, the clinical significance of this variant remains unclear.

Labcorp Genetics (formerly Invitae), Labcorp
Classification: Uncertain significance for Ehlers-Danlos syndrome, kyphoscoliotic type 1. Last evaluated: 2021-08-24. Review status: criteria provided, single submitter. Criteria: Invitae Variant Classification Sherloc (09022015). Collection method: clinical testing. Allele origin: germline.
Comment: This sequence change replaces tyrosine with cysteine at codon 631 of the PLOD1 protein (p.Tyr631Cys). The tyrosine residue is highly conserved and there is a large physicochemical difference between tyrosine and cysteine. This variant is present in population databases (rs752084194, ExAC 0.002%). This variant has not been reported in the literature in individuals affected with PLOD1-related conditions. Algorithms developed to predict the effect of missense changes on protein structure and function are either unavailable or do not agree on the potential impact of this missense change (SIFT: "Deleterious"; PolyPhen-2: "Probably Damaging"; Align-GVGD: "Class C0"). In summary, the available evidence is currently insufficient to determine the role of this variant in disease. Therefore, it has been classified as a Variant of Uncertain Significance.